The following is an entry in ClinVar:

ClinVar aggregate classification (germline): Likely benign (1 of 4 stars; one submission).

Allele frequency attached by ClinVar (database versions not stated): 1000 Genomes Project 0.00140; 1000 Genomes Project 30x 0.00141; TOPMed 0.00251; ESP Exome Variant Server 0.00338; gnomAD 0.00373; ExAC 0.00445.
gnomAD v4.1: 7,370 of 1,598,476 alleles (0.46%); highest among the groups gnomAD compares: Non-Finnish European, 0.51%; 32 homozygotes.

Submission:

CeGaT Center for Human Genetics Tuebingen
Classification: Likely benign. Last evaluated: 2026-04-01. Review status: criteria provided, single submitter. Criteria: CeGaT Center For Human Genetics Tuebingen Variant Classification Criteria Version 2. Collection method: clinical testing. Allele origin: germline. Affected: yes. Observed: 4 variant alleles.
Comment: BCR: BS2

NM_004327.4(BCR):c.2783-15C>T

Genes: BCR (BCR activator of RhoGEF and GTPase; plus strand), LOC107963955 (BCR-ABL major-breakpoint cluster region; plus strand). Cytogenetic location: 22q11.23.
Variant type: single nucleotide variant.
Coding change: c.2783-15C>T on transcript NM_004327.4 (MANE Select); 15 bases into the intron before coding-DNA position 2783, C replaced by T.
Molecular consequence: intron variant.
Genome position (GRCh38, 1-based): chr22:23,292,526, C>T. VCF-style: chr22-23292526-C-T. GRCh37 (hg19) VCF-style: chr22-23634713-C-T.
Other names: c.2783-15C>T (NM_021574.3).
Identifiers: ClinVar variation 2652962 (VCV002652962.24), dbSNP rs140245584, ClinGen allele CA10142755.